The following is an entry in ClinVar:

NM_001066.3(TNFRSF1B):c.59C>T (p.Ala20Val)

Genes: TNFRSF1B (TNF receptor superfamily member 1B; plus strand), LOC129929454 (ATAC-STARR-seq lymphoblastoid silent region 285; plus strand). Cytogenetic location: 1p36.22.
Variant type: single nucleotide variant.
Coding change: c.59C>T on transcript NM_001066.3 (MANE Select); coding-DNA position 59, C replaced by T.
Protein change: p.Ala20Val; replaces alanine 20 with valine.
Molecular consequence: missense variant.
Genome position (GRCh38, 1-based): chr1:12,167,150, C>T. VCF-style: chr1-12167150-C-T. GRCh37 (hg19) VCF-style: chr1-12227207-C-T.
Other names: short protein forms A20V.
Identifiers: ClinVar variation 4540454 (VCV004540454.1).
Genomic context (GRCh38, chr1:12,167,150, plus strand): 5'-CCATGGCGCCCGTCGCCGTCTGGGCCGCGCTGGCCGTCGGACTGGAGCTCTGGGCTGCGG[C>T]GCACGCCTTGCCCGCCCAGGTGGGTGACTCGCGCGGCCCACGGGGGACAGCCGCCCCGCA-3'
Protein context (NP_001057.1, residues 10-30): LAVGLELWAA[Ala20Val]HALPAQVAFT

ClinVar aggregate classification (germline): Uncertain significance (1 of 4 stars; one submission).

Conditions:
Meniere disease. Also called: Ménière's disease. Identifiers: MedGen C0025281, MONDO:0007972, OMIM 156000.

gnomAD v4.1: 2 of 1,313,330 alleles (0.00015%); highest among the groups gnomAD compares: Non-Finnish European, 0.000097%; no homozygotes.

Submission:

Meniere Disease Neuroscience Research Program, Faculty of Medicine and Health, Kolling Institute, The University of Sydney
Classification: Uncertain significance for Meniere disease. Last evaluated: 2025-12-27. Review status: criteria provided, single submitter. Criteria: ClinGen HL ACMG Specifications v1. Collection method: research. Allele origin: germline. Affected: yes.
Comment: This variant has an amino acid change at p.Ala20Val/ This indivial shares mutation chr1:12202100G>A in the TNFRSF1B gene.